The following is an entry in ClinVar:

NM_014698.3(TMEM63A):c.507C>T (p.Asp169=)

Gene: TMEM63A (transmembrane protein 63A; minus strand). Cytogenetic location: 1q42.12.
Variant type: single nucleotide variant.
Coding change: c.507C>T on transcript NM_014698.3 (MANE Select); coding-DNA position 507, C replaced by T.
Protein change: p.Asp169=; no amino-acid change (aspartic acid 169 retained).
Molecular consequence: synonymous variant.
Genome position (GRCh38, 1-based): chr1:225,867,895, G>A on the plus strand (C>T on the coding strand, the complement: TMEM63A is on the minus strand). VCF-style: chr1-225867895-G-A. GRCh37 (hg19) VCF-style: chr1-226055595-G-A.
Other names: c.507C>T (NM_014698.2).
Identifiers: ClinVar variation 1342230 (VCV001342230.7), dbSNP rs2292564, ClinGen allele CA1419551.

ClinVar aggregate classification (germline): Benign. Review status: criteria provided, multiple submitters, no conflicts (2 of 4 stars). 4 submissions from 4 submitters: Benign (3). 1 of the submissions does not count toward it. Last evaluated 2024-11-26.

Conditions:
TMEM63A-related disorder. Also called: TMEM63A-related condition.
Leukodystrophy, hypomyelinating, 19, transient infantile. Identifiers: MedGen C5231463, MONDO:0032871, OMIM 618688.

Allele frequency attached by ClinVar (database versions not stated): gnomAD exomes 0.30283 and 0.32859; ExAC 0.33525; gnomAD 0.33578 and 0.34154; ESP Exome Variant Server 0.34000; TOPMed 0.35015; 1000 Genomes Project 0.43011; 1000 Genomes Project 30x 0.43332.
gnomAD v4.1: 495,397 of 1,613,582 alleles (31%); highest among the groups gnomAD compares: East Asian, 51%; 80,650 homozygotes.

Submissions (4):

Blueprint Genetics
Classification: Benign. Last evaluated: 2024-11-26. Review status: criteria provided, single submitter. Criteria: ACMG Guidelines, 2015. Collection method: clinical testing. Allele origin: germline.

Genome-Nilou Lab
Classification: Benign for Leukodystrophy, hypomyelinating, 19, transient infantile. Last evaluated: 2021-09-10. Review status: criteria provided, single submitter. Criteria: ACMG Guidelines, 2015. Collection method: clinical testing. Allele origin: germline. Affected: no.

Breakthrough Genomics
Classification: Benign. Review status: criteria provided, single submitter. Criteria: ACMG Guidelines, 2015. Collection method: not provided. Allele origin: germline. Inheritance: Autosomal dominant inheritance. Affected: yes.

PreventionGenetics, part of Exact Sciences
Classification: Benign for TMEM63A-related condition. Last evaluated: 2022-08-18. Review status: no assertion criteria provided. Collection method: clinical testing. Allele origin: germline. Not counted in ClinVar's aggregate classification.
Comment: This variant is classified as benign based on ACMG/AMP sequence variant interpretation guidelines (Richards et al. 2015 PMID: 25741868, with internal and published modifications).